The following is an entry in ClinVar:

NM_173630.4(RTTN):c.179T>A (p.Met60Lys)

Gene: RTTN (rotatin; minus strand). Cytogenetic location: 18q22.2.
Variant type: single nucleotide variant.
Coding change: c.179T>A on transcript NM_173630.4 (MANE Select); coding-DNA position 179, T replaced by A.
Protein change: p.Met60Lys; replaces methionine 60 with lysine.
Molecular consequence: missense variant. On other transcripts: 5 prime UTR variant (1).
Genome position (GRCh38, 1-based): chr18:70,205,168, A>T on the plus strand (T>A on the coding strand, the complement: RTTN is on the minus strand). VCF-style: chr18-70205168-A-T. GRCh37 (hg19) VCF-style: chr18-67872404-A-T.
Other names: c.-2375T>A (NM_001318520.2); short protein forms M60K.
Identifiers: ClinVar variation 1419006 (VCV001419006.8), dbSNP rs768122911, ClinGen allele CA8996567.
Genomic context (GRCh38, chr18:70,205,168, plus strand): 5'-TTATTTCAAAATGACCCTACCTTAACCAATCTGCTTAACAGGTTCAGAACCTCTTCCTTC[A>T]TCGGAACGGACGGGAAATTGAACCATTCCAGCAAATGAAGAAAAAGTTGCCTCTCCTGAA-3'
Protein context (NP_775901.3, residues 50-70): LEWFNFPSVP[Met60Lys]KEEVLNLLSR

ClinVar aggregate classification (germline): Uncertain significance (1 of 4 stars; one submission).

Allele frequency attached by ClinVar (database versions not stated): gnomAD exomes below 0.00001 and 0.00001; TOPMed below 0.00001; ExAC 0.00001; gnomAD 0.00001.
gnomAD v4.1: 3 of 1,614,080 alleles (0.00019%); highest among the groups gnomAD compares: Admixed American, 0.005%; no homozygotes.

Submission:

Labcorp Genetics (formerly Invitae), Labcorp
Classification: Uncertain significance. Last evaluated: 2023-08-10. Review status: criteria provided, single submitter. Criteria: Invitae Variant Classification Sherloc (09022015). Collection method: clinical testing. Allele origin: germline.
Comment: In summary, the available evidence is currently insufficient to determine the role of this variant in disease. Therefore, it has been classified as a Variant of Uncertain Significance. Advanced modeling of protein sequence and biophysical properties (such as structural, functional, and spatial information, amino acid conservation, physicochemical variation, residue mobility, and thermodynamic stability) has been performed at Invitae for this missense variant, however the output from this modeling did not meet the statistical confidence thresholds required to predict the impact of this variant on RTTN protein function. ClinVar contains an entry for this variant (Variation ID: 1419006). This variant has not been reported in the literature in individuals affected with RTTN-related conditions. This variant is present in population databases (rs768122911, gnomAD 0.006%). This sequence change replaces methionine, which is neutral and non-polar, with lysine, which is basic and polar, at codon 60 of the RTTN protein (p.Met60Lys).